The following is an entry in ClinVar:

NM_001134831.2(AHI1):c.1626+1G>A

Gene: AHI1 (Abelson helper integration site 1; minus strand). Cytogenetic location: 6q23.3.
Variant type: single nucleotide variant.
Coding change: c.1626+1G>A on transcript NM_001134831.2 (MANE Select); the canonical splice donor site of the intron after coding-DNA position 1626, G replaced by A.
Molecular consequence: splice donor variant.
Genome position (GRCh38, 1-based): chr6:135,448,289, C>T on the plus strand (G>A on the coding strand, the complement: AHI1 is on the minus strand). VCF-style: chr6-135448289-C-T. GRCh37 (hg19) VCF-style: chr6-135769427-C-T.
Other names: c.1626+1G>A (NM_001134830.2, NM_001350503.2, NM_017651.5 and 2 more transcripts).
Identifiers: ClinVar variation 217535 (VCV000217535.18), dbSNP rs863225137, ClinGen allele CA279376.

ClinVar aggregate classification (germline): Pathogenic/Likely pathogenic. Review status: criteria provided, multiple submitters, no conflicts (2 of 4 stars). 4 submissions from 4 submitters: Pathogenic (3); Likely pathogenic (1). Last evaluated 2025-10-15.

Conditions:
AHI1-related disorder. Also called: AHI1-related condition.
Joubert syndrome 3 (JBTS3). Also called: AHI1-related Ciliopathy. Identifiers: Orphanet 220493, MedGen C1837713, MONDO:0012078, OMIM 608629.
Joubert syndrome. Also called: Familial aplasia of the vermis; JOUBERT-BOLTSHAUSER SYNDROME. Identifiers: Orphanet 475, MedGen C5979921, MONDO:0018772.

Allele frequency attached by ClinVar (database versions not stated): TOPMed below 0.00001; gnomAD exomes 0.00001.
gnomAD v4.1: 30 of 1,571,592 alleles (0.0019%); highest among the groups gnomAD compares: Non-Finnish European, 0.0026%; no homozygotes.

Submissions (4):

Labcorp Genetics (formerly Invitae), Labcorp
Classification: Pathogenic for Joubert syndrome. Last evaluated: 2025-10-15. Review status: criteria provided, single submitter. Criteria: Invitae Variant Classification Sherloc (09022015). Collection method: clinical testing. Allele origin: germline.
Comment: This sequence change affects a donor splice site in intron 11 of the AHI1 gene. It is expected to disrupt RNA splicing. Variants that disrupt the donor or acceptor splice site typically lead to a loss of protein function (PMID: 16199547), and loss-of-function variants in AHI1 are known to be pathogenic (PMID: 15322546, 16453322, 28442542, 29186038). This variant is present in population databases (no rsID available, gnomAD 0.003%). Disruption of this splice site has been observed in individuals with clinical features of Joubert syndrome (PMID: 16453322; internal data). ClinVar contains an entry for this variant (Variation ID: 217535). Algorithms developed to predict the effect of sequence changes on RNA splicing suggest that this variant may disrupt the consensus splice site. For these reasons, this variant has been classified as Pathogenic.

GeneDx
Classification: Likely pathogenic. Last evaluated: 2023-02-03. Review status: criteria provided, single submitter. Criteria: GeneDx Variant Classification Process June 2021. Collection method: clinical testing. Allele origin: germline.
Comment: Observed in a patient with Joubert syndrome who also harbored a second AHI1 variant; however segregation studies were not reported (PMID: 26092869); Canonical splice site variant expected to result in aberrant splicing, although in the absence of functional evidence the actual effect of this sequence change is unknown.; Not observed at significant frequency in large population cohorts (gnomAD); This variant is associated with the following publications: (PMID: 33004012, 25525159, 26092869, 16453322)

Blueprint Genetics
Classification: Pathogenic for AHI1-related disorders. Last evaluated: 2021-09-07. Review status: criteria provided, single submitter. Criteria: ACMG Guidelines, 2015. Collection method: clinical testing. Allele origin: germline. Affected: yes. Observed: 1 variant allele.

UW Hindbrain Malformation Research Program, University of Washington
Classification: Pathogenic for Joubert syndrome 3. Last evaluated: 2015-02-23. Review status: criteria provided, single submitter. Criteria: Bachmann-Gagescu et al. (J Med Genet. 2015). Collection method: research. Allele origin: unknown. Affected: yes.

Literature cited by the submitters: PubMed 16199547 (cited by Labcorp Genetics (formerly Invitae), Labcorp); PubMed 15322546 (cited by Labcorp Genetics (formerly Invitae), Labcorp); PubMed 16453322 (cited by Labcorp Genetics (formerly Invitae), Labcorp); PubMed 28442542 (cited by Labcorp Genetics (formerly Invitae), Labcorp); PubMed 29186038 (cited by Labcorp Genetics (formerly Invitae), Labcorp).